The following is an entry in ClinVar:

ClinVar aggregate classification (germline): Conflicting classifications of pathogenicity. Review status: criteria provided, conflicting classifications (1 of 4 stars). 4 submissions from 4 submitters: Uncertain significance (3); Benign (1). Last evaluated 2024-10-26.

Conditions:
Hereditary cancer-predisposing syndrome. Also called: Neoplastic Syndromes, Hereditary; Tumor predisposition; Hereditary Cancer Syndrome; Hereditary neoplastic syndrome. Identifiers: Orphanet 140162, MedGen C0027672, MeSH D009386, MONDO:0015356.
Haddad syndrome (OHD). Also called: Ondine-Hirschsprung disease. Identifiers: Orphanet 99803, MedGen C1859049, MONDO:0020493.
Neuroblastoma, susceptibility to, 2. Identifiers: Orphanet 635, MedGen C2751682, MONDO:0700041, OMIM 613013.

Allele frequency attached by ClinVar (database versions not stated): gnomAD 0.00001; TOPMed 0.00001; gnomAD exomes 0.00003 and 0.00006; ExAC 0.00011.
gnomAD v4.1: 48 of 1,608,084 alleles (0.003%); highest among the groups gnomAD compares: South Asian, 0.051%; 1 homozygote.

Submissions (4):

Labcorp Genetics (formerly Invitae), Labcorp
Classification: Uncertain significance for Haddad syndrome. Last evaluated: 2024-10-26. Review status: criteria provided, single submitter. Criteria: Invitae Variant Classification Sherloc (09022015). Collection method: clinical testing. Allele origin: germline.
Comment: This sequence change replaces serine, which is neutral and polar, with asparagine, which is neutral and polar, at codon 311 of the PHOX2B protein (p.Ser311Asn). This variant is present in population databases (rs762234006, gnomAD 0.05%), and has an allele count higher than expected for a pathogenic variant. This variant has not been reported in the literature in individuals affected with PHOX2B-related conditions. ClinVar contains an entry for this variant (Variation ID: 640568). Experimental studies and prediction algorithms are not available or were not evaluated, and the functional significance of this variant is currently unknown. In summary, the available evidence is currently insufficient to determine the role of this variant in disease. Therefore, it has been classified as a Variant of Uncertain Significance.

Baylor Genetics
Classification: Uncertain significance for Neuroblastoma, susceptibility to, 2. Last evaluated: 2023-07-19. Review status: criteria provided, single submitter. Criteria: ACMG Guidelines, 2015. Collection method: clinical testing. Allele origin: unknown.

Revvity Omics, Revvity
Classification: Uncertain significance. Last evaluated: 2022-06-17. Review status: criteria provided, single submitter. Criteria: ACMG Guidelines, 2015. Collection method: clinical testing. Allele origin: germline.

Ambry Genetics
Classification: Benign for Hereditary cancer-predisposing syndrome. Last evaluated: 2022-06-10. Review status: criteria provided, single submitter. Criteria: Ambry Variant Classification Scheme 2023. Collection method: clinical testing. Allele origin: germline.

NM_003924.4(PHOX2B):c.932G>A (p.Ser311Asn)

Gene: PHOX2B (paired like homeobox 2B; minus strand). Cytogenetic location: 4p13.
Variant type: single nucleotide variant.
Coding change: c.932G>A on transcript NM_003924.4 (MANE Select); coding-DNA position 932, G replaced by A.
Protein change: p.Ser311Asn; replaces serine 311 with asparagine.
Molecular consequence: missense variant.
Genome position (GRCh38, 1-based): chr4:41,745,820, C>T on the plus strand (G>A on the coding strand, the complement: PHOX2B is on the minus strand). VCF-style: chr4-41745820-C-T. GRCh37 (hg19) VCF-style: chr4-41747837-C-T.
Other names: short protein forms S311N.
Identifiers: ClinVar variation 640568 (VCV000640568.16), dbSNP rs762234006, ClinGen allele CA2901389.